The following is an entry in ClinVar:

NM_153700.2(STRC):c.4546-13G>C

Gene: STRC (stereocilin; minus strand). Cytogenetic location: 15q15.3.
Variant type: single nucleotide variant.
Coding change: c.4546-13G>C on transcript NM_153700.2 (MANE Select); 13 bases into the intron before coding-DNA position 4546, G replaced by C.
Molecular consequence: intron variant.
Genome position (GRCh38, 1-based): chr15:43,601,564, C>G on the plus strand (G>C on the coding strand, the complement: STRC is on the minus strand). VCF-style: chr15-43601564-C-G. GRCh37 (hg19) VCF-style: chr15-43893762-C-G.
Identifiers: ClinVar variation 178530 (VCV000178530.7), dbSNP rs374896210, ClinGen allele CA182502.

ClinVar aggregate classification (germline): Likely benign. Review status: criteria provided, multiple submitters, no conflicts (2 of 4 stars). 3 submissions from 3 submitters: Likely benign (3). Last evaluated 2024-10-14.

Allele frequency attached by ClinVar (database versions not stated): 1000 Genomes Project 30x 0.00016; ExAC 0.00018; 1000 Genomes Project 0.00020; gnomAD exomes 0.00021; gnomAD 0.00025 and 0.00026; TOPMed 0.00025; ESP Exome Variant Server 0.00054.

Submissions (3):

Blueprint Genetics
Classification: Likely benign. Last evaluated: 2024-10-14. Review status: criteria provided, single submitter. Criteria: ACMG Guidelines, 2015. Collection method: clinical testing. Allele origin: germline.

Laboratory for Molecular Medicine, Mass General Brigham Personalized Medicine
Classification: Likely benign. Last evaluated: 2015-06-04. Review status: criteria provided, single submitter. Criteria: LMM Criteria. Collection method: clinical testing. Allele origin: germline. Observed: 2 variant alleles.
Comment: c.4546-13G>C in intron 23 of STRC: This variant is not expected to have clinical significance because it is not located in the splice consensus sequence and com putational tools do not suggest an impact to splicing. It has been identified in 0.03% (17/65502) of European chromosomes by the Exome Aggregation Consortium ( ExAC; dbSNP rs374896210).

Breakthrough Genomics
Classification: Likely benign. Review status: criteria provided, single submitter. Criteria: ACMG Guidelines, 2015. Collection method: not provided. Allele origin: germline. Inheritance: Autosomal recessive inheritance. Affected: yes.